The following is an entry in ClinVar:

NM_001111125.3(IQSEC2):c.4463T>C (p.Val1488Ala)

Gene: IQSEC2 (IQ motif and Sec7 domain ArfGEF 2; minus strand). Cytogenetic location: Xp11.22.
Variant type: single nucleotide variant.
Coding change: c.4463T>C on transcript NM_001111125.3 (MANE Select); coding-DNA position 4463, T replaced by C.
Protein change: p.Val1488Ala; replaces valine 1488 with alanine.
Molecular consequence: missense variant. On other transcripts: 3 prime UTR variant (1).
Genome position (GRCh38, 1-based): chrX:53,234,223, A>G on the plus strand (T>C on the coding strand, the complement: IQSEC2 is on the minus strand). VCF-style: chrX-53234223-A-G. GRCh37 (hg19) VCF-style: chrX-53263405-A-G.
Other names: c.*948T>C (NM_015075.2); short protein forms V1488A.
Identifiers: ClinVar variation 449855 (VCV000449855.5), dbSNP rs1556858900, ClinGen allele CA413138024.

ClinVar aggregate classification (germline): Likely pathogenic (1 of 4 stars; one submission).

Submission:

GeneDx
Classification: Likely pathogenic. Last evaluated: 2024-10-31. Review status: criteria provided, single submitter. Criteria: GeneDx Variant Classification Process June 2021. Collection method: clinical testing. Allele origin: germline. Affected: yes.
Comment: Not observed at significant frequency in large population cohorts (gnomAD); In silico analysis indicates that this missense variant does not alter protein structure/function; Has not been previously published as pathogenic or benign to our knowledge; This variant is associated with the following publications: (PMID: 20473311)